The following is an entry in ClinVar:

ClinVar aggregate classification (germline): Uncertain significance. Review status: criteria provided, multiple submitters, no conflicts (2 of 4 stars). 2 submissions from 2 submitters: Uncertain significance (2). Last evaluated 2025-12-31.

gnomAD v4.1: 7 of 1,588,434 alleles (0.00044%); highest among the groups gnomAD compares: Non-Finnish European, 0.0006%; no homozygotes.

Submissions (2):

Women's Health and Genetics/Laboratory Corporation of America, LabCorp
Classification: Uncertain significance. Last evaluated: 2025-12-31. Review status: criteria provided, single submitter. Criteria: LabCorp Variant Classification Summary - May 2015. Collection method: clinical testing. Allele origin: germline.
Comment: Variant summary: SETD5 c.3653C>G (p.Pro1218Arg) results in a non-conservative amino acid change in the encoded protein sequence. Algorithms developed to predict the effect of missense changes on protein structure and function all suggest that this variant is likely to be disruptive. The variant was absent in 210048 control chromosomes. The available data on variant occurrences in the general population are insufficient to allow any conclusion about variant significance. To our knowledge, no occurrence of c.3653C>G in individuals affected with SETD5-related conditions and no experimental evidence demonstrating its impact on protein function have been reported. ClinVar contains an entry for this variant (Variation ID: 1476589). Based on the evidence outlined above, the variant was classified as uncertain significance.

Labcorp Genetics (formerly Invitae), Labcorp
Classification: Uncertain significance. Last evaluated: 2024-11-22. Review status: criteria provided, single submitter. Criteria: Invitae Variant Classification Sherloc (09022015). Collection method: clinical testing. Allele origin: germline.
Comment: This sequence change replaces proline, which is neutral and non-polar, with arginine, which is basic and polar, at codon 1218 of the SETD5 protein (p.Pro1218Arg). This variant is not present in population databases (gnomAD no frequency). This variant has not been reported in the literature in individuals affected with SETD5-related conditions. ClinVar contains an entry for this variant (Variation ID: 1476589). Invitae Evidence Modeling of protein sequence and biophysical properties (such as structural, functional, and spatial information, amino acid conservation, physicochemical variation, residue mobility, and thermodynamic stability) indicates that this missense variant is not expected to disrupt SETD5 protein function with a negative predictive value of 80%. In summary, the available evidence is currently insufficient to determine the role of this variant in disease. Therefore, it has been classified as a Variant of Uncertain Significance.

NM_001080517.3(SETD5):c.3653C>G (p.Pro1218Arg)

Gene: SETD5 (SET domain containing 5; plus strand). Cytogenetic location: 3p25.3.
Variant type: single nucleotide variant.
Coding change: c.3653C>G on transcript NM_001080517.3 (MANE Select); coding-DNA position 3653, C replaced by G.
Protein change: p.Pro1218Arg; replaces proline 1218 with arginine.
Molecular consequence: missense variant.
Genome position (GRCh38, 1-based): chr3:9,475,089, C>G. VCF-style: chr3-9475089-C-G. GRCh37 (hg19) VCF-style: chr3-9516773-C-G.
Other names: c.3359C>G, p.Pro1120Arg (NM_001292043.2, NM_001349451.2); short protein forms P1120R, P1218R.
Identifiers: ClinVar variation 1476589 (VCV001476589.9), dbSNP rs758347956, ClinGen allele CA351689958.